The following is an entry in ClinVar:

ClinVar aggregate classification (germline): Uncertain significance. Review status: criteria provided, multiple submitters, no conflicts (2 of 4 stars). 9 submissions from 7 submitters: Uncertain significance (8). 1 of the submissions does not count toward it. Last evaluated 2025-10-07.

Conditions:
Inborn genetic diseases. Identifiers: MedGen C0950123, MeSH D030342.
Usher syndrome type 1 (USH1). Also called: RETINITIS PIGMENTOSA AND CONGENITAL DEAFNESS. Identifiers: Orphanet 231169, Orphanet 886, MedGen C1568247, MONDO:0010168, OMIM 276900.
Autosomal dominant nonsyndromic hearing loss 11. Identifiers: Orphanet 90635, MedGen C1832475, MONDO:0011032, OMIM 601317.
Autosomal recessive nonsyndromic hearing loss 2. Also called: DEAFNESS, AUTOSOMAL RECESSIVE 2; NEUROSENSORY NONSYNDROMIC RECESSIVE DEAFNESS 2. Identifiers: Orphanet 90636, MedGen C1838701, MONDO:0010807, OMIM 600060.
Usher syndrome type 1B (USH1B). Also called: Usher syndrome type IB. Identifiers: MedGen C1848638, MONDO:0700087.

Allele frequency attached by ClinVar (database versions not stated): gnomAD 0.00001; TOPMed 0.00003; gnomAD exomes 0.00005 and 0.00007; ExAC 0.00007.
gnomAD v4.1: 81 of 1,613,020 alleles (0.005%); highest among the groups gnomAD compares: East Asian, 0.06%; no homozygotes.

Submissions (9):

Myriad Genetics, Inc.
Classification: Uncertain significance for Usher syndrome type 1. Last evaluated: 2025-10-07. Review status: criteria provided, single submitter. Criteria: Myriad Autosomal Dominant, Autosomal Recessive and X-Linked Classification Criteria (2023). Collection method: clinical testing. Allele origin: unknown.
Comment: NM_000260.3(MYO7A):c.5930G>A(R1977Q) is a missense variant classified as a variant of uncertain significance in the context of MYO7A-related disorders. R1977Q has been observed in cases with relevant disease (PMID: 36217262, 34599366, 33946315, 38594301). Relevant functional assessments of this variant are not available in the literature. R1977Q has been observed in referenced population frequency databases. In summary, there is insufficient evidence to classify NM_000260.3(MYO7A):c.5930G>A(R1977Q) as pathogenic or benign. Please note: this variant was assessed in the context of healthy population screening.

Labcorp Genetics (formerly Invitae), Labcorp
Classification: Uncertain significance. Last evaluated: 2024-12-15. Review status: criteria provided, single submitter. Criteria: Invitae Variant Classification Sherloc (09022015). Collection method: clinical testing. Allele origin: germline.
Comment: This sequence change replaces arginine, which is basic and polar, with glutamine, which is neutral and polar, at codon 1977 of the MYO7A protein (p.Arg1977Gln). This variant is present in population databases (rs762420918, gnomAD 0.06%). This missense change has been observed in individual(s) with deafness (PMID: 33946315, 38594301). ClinVar contains an entry for this variant (Variation ID: 306201). Invitae Evidence Modeling of protein sequence and biophysical properties (such as structural, functional, and spatial information, amino acid conservation, physicochemical variation, residue mobility, and thermodynamic stability) has been performed for this missense variant. However, the output from this modeling did not meet the statistical confidence thresholds required to predict the impact of this variant on MYO7A protein function. In summary, the available evidence is currently insufficient to determine the role of this variant in disease. Therefore, it has been classified as a Variant of Uncertain Significance.

Blueprint Genetics
Classification: Uncertain significance. Last evaluated: 2024-09-25. Review status: criteria provided, single submitter. Criteria: ACMG Guidelines, 2015. Collection method: clinical testing. Allele origin: germline.

GeneDx
Classification: Uncertain significance. Last evaluated: 2023-11-15. Review status: criteria provided, single submitter. Criteria: GeneDx Variant Classification Process June 2021. Collection method: clinical testing. Allele origin: germline. Affected: yes.
Comment: Reported in a patient with retinitis pigmentosa in published literature (PMID: 33946315); In silico analysis supports that this missense variant has a deleterious effect on protein structure/function; This variant is associated with the following publications: (PMID: 33946315)

Ambry Genetics
Classification: Uncertain significance for Inborn genetic diseases. Last evaluated: 2021-08-12. Review status: criteria provided, single submitter. Criteria: Ambry Variant Classification Scheme 2023. Collection method: clinical testing. Allele origin: germline.

Illumina Laboratory Services, Illumina
Classification: Uncertain significance for Usher syndrome type 1. Last evaluated: 2018-01-13. Review status: criteria provided, single submitter. Criteria: ICSL Variant Classification Criteria 13 December 2019. Collection method: clinical testing. Allele origin: germline.

Illumina Laboratory Services, Illumina
Classification: Uncertain significance for Autosomal dominant nonsyndromic hearing loss 11. Last evaluated: 2018-01-13. Review status: criteria provided, single submitter. Criteria: ICSL Variant Classification Criteria 13 December 2019. Collection method: clinical testing. Allele origin: germline.

Illumina Laboratory Services, Illumina
Classification: Uncertain significance for Autosomal recessive nonsyndromic hearing loss 2. Last evaluated: 2018-01-13. Review status: criteria provided, single submitter. Criteria: ICSL Variant Classification Criteria 13 December 2019. Collection method: clinical testing. Allele origin: germline.

Natera, Inc.
Classification: Uncertain significance for Usher syndrome type 1B. Last evaluated: 2019-11-11. Review status: no assertion criteria provided. Collection method: clinical testing. Allele origin: germline. Not counted in ClinVar's aggregate classification.

Literature cited by the submitters: PubMed 33946315 (cited by Myriad Genetics, Inc. and Labcorp Genetics (formerly Invitae), Labcorp); PubMed 34599366 (cited by Myriad Genetics, Inc.); PubMed 36217262 (cited by Myriad Genetics, Inc.); PubMed 38594301 (cited by Myriad Genetics, Inc. and Labcorp Genetics (formerly Invitae), Labcorp).

NM_000260.4(MYO7A):c.5930G>A (p.Arg1977Gln)

Gene: MYO7A (myosin VIIA; plus strand). Cytogenetic location: 11q13.5.
Variant type: single nucleotide variant.
Coding change: c.5930G>A on transcript NM_000260.4 (MANE Select); coding-DNA position 5930, G replaced by A.
Protein change: p.Arg1977Gln; replaces arginine 1977 with glutamine.
Molecular consequence: missense variant.
Genome position (GRCh38, 1-based): chr11:77,208,503, G>A. VCF-style: chr11-77208503-G-A. GRCh37 (hg19) VCF-style: chr11-76919548-G-A.
Other names: c.5816G>A, p.Arg1939Gln (NM_001127180.2); c.5783G>A, p.Arg1928Gln (NM_001369365.1); short protein forms R1977Q, R1928Q, R1939Q.
Identifiers: ClinVar variation 306201 (VCV000306201.15), dbSNP rs762420918, ClinGen allele CA6198872.